The following is an entry in ClinVar:

NM_001184900.3(CARD8):c.1161+5G>A

Gene: CARD8 (caspase recruitment domain family member 8; minus strand). Cytogenetic location: 19q13.33.
Variant type: single nucleotide variant.
Coding change: c.1161+5G>A on transcript NM_001184900.3 (MANE Select); 5 bases into the intron after coding-DNA position 1161, G replaced by A.
Molecular consequence: intron variant.
Genome position (GRCh38, 1-based): chr19:48,221,725, C>T on the plus strand (G>A on the coding strand, the complement: CARD8 is on the minus strand). VCF-style: chr19-48221725-C-T. GRCh37 (hg19) VCF-style: chr19-48724982-C-T.
Other names: c.846+5G>A (NM_001351787.2, NM_001351791.2, NM_001351792.2 and 1 more transcripts); c.1011+5G>A (NM_001351788.2, NM_001351789.2, NM_014959.5 and 2 more transcripts); c.825+5G>A (NM_001351786.2); c.918+5G>A (NM_001351790.2); c.1161+5G>A (NM_001184902.2, NM_001351782.2, NM_001184903.1); c.843+5G>A (NM_001365950.1).
Identifiers: ClinVar variation 1486184 (VCV001486184.6), dbSNP rs2145766229, ClinGen allele CA2573156506.

ClinVar aggregate classification (germline): Uncertain significance (1 of 4 stars; one submission).

Submission:

Labcorp Genetics (formerly Invitae), Labcorp
Classification: Uncertain significance. Last evaluated: 2021-04-09. Review status: criteria provided, single submitter. Criteria: Invitae Variant Classification Sherloc (09022015). Collection method: clinical testing. Allele origin: germline.
Comment: This sequence change falls in intron 9 of the CARD8 gene. It does not directly change the encoded amino acid sequence of the CARD8 protein. It affects a nucleotide within the consensus splice site of the intron. In summary, the available evidence is currently insufficient to determine the role of this variant in disease. Therefore, it has been classified as a Variant of Uncertain Significance. Nucleotide substitutions within the consensus splice site are a relatively common cause of aberrant splicing (PMID: 17576681, 9536098). Algorithms developed to predict the effect of sequence changes on RNA splicing suggest that this variant may disrupt the consensus splice site, but this prediction has not been confirmed by published transcriptional studies. This variant has not been reported in the literature in individuals with CARD8-related conditions. This variant is not present in population databases (ExAC no frequency).

Literature cited by the submitters: PubMed 17576681; PubMed 9536098.